The following is an entry in ClinVar:

ClinVar aggregate classification (germline): Uncertain significance (1 of 4 stars; one submission).

Conditions:
Hereditary pancreatitis (PCTT). Also called: Hereditary chronic pancreatitis; PRSS1-Related Hereditary Pancreatitis. Identifiers: Orphanet 676, MedGen C0238339, MONDO:0008185, OMIM 167800.

Submission:

Ambry Genetics
Classification: Uncertain significance for Hereditary pancreatitis. Last evaluated: 2022-03-01. Review status: criteria provided, single submitter. Criteria: Ambry Variant Classification Scheme 2023. Collection method: clinical testing. Allele origin: germline.
Comment: The p.D20H variant (also known as c.58G>C), located in coding exon 2 of the PRSS1 gene, results from a G to C substitution at nucleotide position 58. The aspartic acid at codon 20 is replaced by histidine, an amino acid with similar properties. This amino acid position is conserved. In addition, the in silico prediction for this alteration is inconclusive. Since supporting evidence is limited at this time, the clinical significance of this alteration remains unclear.

NM_002769.5(PRSS1):c.58G>C (p.Asp20His)

Genes: TRB (T cell receptor beta locus; plus strand), PRSS1 (serine protease 1; plus strand). Cytogenetic location: 7q34.
Variant type: single nucleotide variant.
Coding change: c.58G>C on transcript NM_002769.5 (MANE Select); coding-DNA position 58, G replaced by C.
Protein change: p.Asp20His; replaces aspartic acid 20 with histidine.
Molecular consequence: missense variant. On other transcripts: non-coding transcript variant (2).
Genome position (GRCh38, 1-based): chr7:142,750,572, G>C. VCF-style: chr7-142750572-G-C. GRCh37 (hg19) VCF-style: chr7-142458423-G-C.
Other names: short protein forms D20H.
Identifiers: ClinVar variation 1750393 (VCV001750393.2), dbSNP rs774895653, ClinGen allele CA369607051.